The following is an entry in ClinVar:

NM_023110.3(FGFR1):c.28T>C (p.Trp10Arg)

Gene: FGFR1 (fibroblast growth factor receptor 1; minus strand). Cytogenetic location: 8p11.23.
Variant type: single nucleotide variant.
Coding change: c.28T>C on transcript NM_023110.3 (MANE Select); coding-DNA position 28, T replaced by C.
Protein change: p.Trp10Arg; replaces tryptophan 10 with arginine.
Molecular consequence: missense variant. On other transcripts: 5 prime UTR variant (1).
Genome position (GRCh38, 1-based): chr8:38,457,419, A>G on the plus strand (T>C on the coding strand, the complement: FGFR1 is on the minus strand). VCF-style: chr8-38457419-A-G. GRCh37 (hg19) VCF-style: chr8-38314937-A-G.
Other names: c.28T>C, p.Trp10Arg (NM_001174063.2, NM_001174065.2, NM_001174066.2 and 8 more transcripts); c.-65T>C (NM_001174064.2); c.127T>C, p.Trp43Arg (NM_001174067.2); short protein forms W43R, W10R.
Identifiers: ClinVar variation 4787552 (VCV004787552.1).
Genomic context (GRCh38, chr8:38,457,419, plus strand): 5'-GTTCAGGCAAGGTCGGGGACGGCCTAGCGGTGCAGAGTGTGGCTGTGACCAGCACAGCCC[A>G]GAAGAGGAGGCACTTCCAGCTCCACATCCCAGTTCTGCAGTTAGAGGTTGGTGACAAGGC-3'
Protein context (NP_075598.2, residues 1-20): MWSWKCLLF[Trp10Arg]AVLVTATLCT

ClinVar aggregate classification (germline): Uncertain significance (1 of 4 stars; one submission).

Conditions:
Hypogonadotropic hypogonadism 2 with or without anosmia (HH2). Also called: HYPOGONADOTROPIC HYPOGONADISM 2 WITHOUT ANOSMIA; FGFR1-Related GnRH Deficiency (Kallmann Syndrome 2); HYPOGONADOTROPIC HYPOGONADISM 2 WITH OR WITHOUT ANOSMIA, SUSCEPTIBILITY TO; HYPOGONADOTROPIC HYPOGONADISM 2 WITHOUT ANOSMIA, SUSCEPTIBILITY TO. Identifiers: Orphanet 478, MedGen C1563720, MONDO:0007844, OMIM 147950. Disease mechanism: loss of function.
Pfeiffer syndrome (ACS5). Also called: ACS V. Identifiers: Orphanet 710, MedGen C0220658, MONDO:0007043, OMIM 101600.

gnomAD v4.1: 28 of 1,613,988 alleles (0.0017%); highest among the groups gnomAD compares: Non-Finnish European, 0.0024%; no homozygotes.

Submission:

Labcorp Genetics (formerly Invitae), Labcorp
Classification: Uncertain significance for Pfeiffer syndrome; Hypogonadotropic hypogonadism 2 with or without anosmia. Last evaluated: 2025-04-11. Review status: criteria provided, single submitter. Criteria: Invitae Variant Classification Sherloc (09022015). Collection method: clinical testing. Allele origin: germline.
Comment: This sequence change replaces tryptophan, which is neutral and slightly polar, with arginine, which is basic and polar, at codon 10 of the FGFR1 protein (p.Trp10Arg). This variant is present in population databases (no rsID available, gnomAD 0.0009%). This variant has not been reported in the literature in individuals affected with FGFR1-related conditions. Invitae Evidence Modeling of protein sequence and biophysical properties (such as structural, functional, and spatial information, amino acid conservation, physicochemical variation, residue mobility, and thermodynamic stability) has been performed for this missense variant. However, the output from this modeling did not meet the statistical confidence thresholds required to predict the impact of this variant on FGFR1 protein function. In summary, the available evidence is currently insufficient to determine the role of this variant in disease. Therefore, it has been classified as a Variant of Uncertain Significance.